The following is an entry in ClinVar:

NM_033109.5(PNPT1):c.279C>T (p.Ser93=)

Gene: PNPT1 (polyribonucleotide nucleotidyltransferase 1; minus strand). Cytogenetic location: 2p16.1.
Variant type: single nucleotide variant.
Coding change: c.279C>T on transcript NM_033109.5 (MANE Select); coding-DNA position 279, C replaced by T.
Protein change: p.Ser93=; no amino-acid change (serine 93 retained).
Molecular consequence: synonymous variant.
Genome position (GRCh38, 1-based): chr2:55,686,388, G>A on the plus strand (C>T on the coding strand, the complement: PNPT1 is on the minus strand). VCF-style: chr2-55686388-G-A. GRCh37 (hg19) VCF-style: chr2-55913523-G-A.
Other names: c.279C>T (NM_033109.4).
Identifiers: ClinVar variation 1588396 (VCV001588396.10), dbSNP rs758813966, ClinGen allele CA1668566.

ClinVar aggregate classification (germline): Likely benign. Review status: criteria provided, single submitter (1 of 4 stars). 2 submissions from 2 submitters: Likely benign (1). 1 of the submissions does not count toward it. Last evaluated 2025-10-01.

Conditions:
PNPT1-related disorder. Also called: PNPT1-related condition; PNPT1-related disorders.

Allele frequency attached by ClinVar (database versions not stated): gnomAD 0.00017 and 0.00020; TOPMed 0.00019.
gnomAD v4.1: 45 of 1,613,190 alleles (0.0028%); highest among the groups gnomAD compares: African/African-American, 0.059%; no homozygotes.

Submissions (2):

Labcorp Genetics (formerly Invitae), Labcorp
Classification: Likely benign. Last evaluated: 2025-10-01. Review status: criteria provided, single submitter. Criteria: Invitae Variant Classification Sherloc (09022015). Collection method: clinical testing. Allele origin: germline.

PreventionGenetics, part of Exact Sciences
Classification: Likely benign for PNPT1-related condition. Last evaluated: 2020-02-14. Review status: no assertion criteria provided. Collection method: clinical testing. Allele origin: germline. Not counted in ClinVar's aggregate classification.
Comment: This variant is classified as likely benign based on ACMG/AMP sequence variant interpretation guidelines (Richards et al. 2015 PMID: 25741868, with internal and published modifications).